The following is an entry in ClinVar:

ClinVar aggregate classification (germline): Benign (1 of 4 stars; one submission).

Allele frequency attached by ClinVar (database versions not stated): gnomAD exomes 0.00061.

Submission:

CeGaT Center for Human Genetics Tuebingen
Classification: Benign. Last evaluated: 2022-09-01. Review status: criteria provided, single submitter. Criteria: CeGaT Center For Human Genetics Tuebingen Variant Classification Criteria Version 2. Collection method: clinical testing. Allele origin: germline. Affected: yes. Observed: 2 variant alleles.
Comment: POLD1: BP4, BS1, BS2

NM_002691.4(POLD1):c.1776-82A>T

Gene: POLD1 (DNA polymerase delta 1, catalytic subunit; plus strand). Cytogenetic location: 19q13.33.
Variant type: single nucleotide variant.
Coding change: c.1776-82A>T on transcript NM_002691.4 (MANE Select); 82 bases into the intron before coding-DNA position 1776, A replaced by T.
Molecular consequence: intron variant.
Genome position (GRCh38, 1-based): chr19:50,408,703, A>T. VCF-style: chr19-50408703-A-T. GRCh37 (hg19) VCF-style: chr19-50911960-A-T.
Other names: c.1776-82A>T (NM_001256849.1); c.1776-4A>T (NM_001308632.1).
Identifiers: ClinVar variation 1711486 (VCV001711486.30), dbSNP rs1262498102, ClinGen allele CA633684001.
Genomic context (GRCh38, chr19:50,408,703, plus strand): 5'-AATGTGCTGGGATTGCAGGAGCGAGCACTGCTCCCAGCCAATGAATGATTTTTTTTTTTT[A>T]AAGGGTGAGGCCACAAGACAGGGCGGGGGCGGCATGGGAACTCCTAGCCCTGACTCCCGG-3'